The following is an entry in ClinVar:

NM_001744.6(CAMK4):c.625+4T>G

Gene: CAMK4 (calcium/calmodulin dependent protein kinase IV; plus strand). Cytogenetic location: 5q22.1.
Variant type: single nucleotide variant.
Coding change: c.625+4T>G on transcript NM_001744.6 (MANE Select); 4 bases into the intron after coding-DNA position 625, T replaced by G.
Molecular consequence: intron variant.
Genome position (GRCh38, 1-based): chr5:111,449,207, T>G. VCF-style: chr5-111449207-T-G. GRCh37 (hg19) VCF-style: chr5-110784905-T-G.
Other names: c.625+4T>G (NM_001323375.2, NM_001323374.2); c.34+4T>G (NM_001323377.2, NM_001323376.2).
Identifiers: ClinVar variation 1879629 (VCV001879629.29), dbSNP rs377764169, ClinGen allele CA3366401.
Genomic context (GRCh38, chr5:111,449,207, plus strand): 5'-AAATTGTGGAACATCAAGTGCTCATGAAGACAGTATGTGGAACCCCAGGGTACTGCGGTA[T>G]GCTCTTTAATAATTATATTTTACTTTTATTGTTATTTGAAATGTATTTTTGTTTAGCAAT-3'

ClinVar aggregate classification (germline): Benign (1 of 4 stars; one submission).

Allele frequency attached by ClinVar (database versions not stated): 1000 Genomes Project 30x 0.00016; 1000 Genomes Project 0.00020; TOPMed 0.00038; gnomAD 0.00039; ExAC 0.00046; ESP Exome Variant Server 0.00054; gnomAD exomes 0.00095.
gnomAD v4.1: 1,172 of 1,337,690 alleles (0.088%); highest among the groups gnomAD compares: Non-Finnish European, 0.11%; no homozygotes.

Submission:

CeGaT Center for Human Genetics Tuebingen
Classification: Benign. Last evaluated: 2022-10-01. Review status: criteria provided, single submitter. Criteria: CeGaT Center For Human Genetics Tuebingen Variant Classification Criteria Version 2. Collection method: clinical testing. Allele origin: germline. Affected: yes. Observed: 1 variant allele.
Comment: CAMK4: BP4, BS1, BS2